The following is an entry in ClinVar:

NM_001267550.2(TTN):c.94618G>A (p.Gly31540Ser)

Genes: TTN (titin; minus strand), TTN-AS1 (TTN antisense RNA 1; plus strand). Cytogenetic location: 2q31.2.
Variant type: single nucleotide variant.
Coding change: c.94618G>A on transcript NM_001267550.2 (MANE Select); coding-DNA position 94618, G replaced by A.
Protein change: p.Gly31540Ser; replaces glycine 31540 with serine.
Molecular consequence: missense variant.
Genome position (GRCh38, 1-based): chr2:178,546,810, C>T on the plus strand (G>A on the coding strand, the complement: TTN is on the minus strand). VCF-style: chr2-178546810-C-T. GRCh37 (hg19) VCF-style: chr2-179411537-C-T.
Other names: c.89695G>A, p.Gly29899Ser (NM_001256850.1); c.67423G>A, p.Gly22475Ser (NM_003319.4); c.86914G>A, p.Gly28972Ser (NM_133378.4); c.67798G>A, p.Gly22600Ser (NM_133432.3); c.67999G>A, p.Gly22667Ser (NM_133437.4); short protein forms G22475S, G22600S, G22667S, G28972S, G29899S, G31540S.
Identifiers: ClinVar variation 3765927 (VCV003765927.1).

ClinVar aggregate classification (germline): Uncertain significance (1 of 4 stars; one submission).

gnomAD v4.1: 2 of 1,612,686 alleles (0.00012%); highest among the groups gnomAD compares: Admixed American, 0.0017%; no homozygotes.

Submission:

GeneDx
Classification: Uncertain significance. Last evaluated: 2024-08-27. Review status: criteria provided, single submitter. Criteria: GeneDx Variant Classification Process June 2021. Collection method: clinical testing. Allele origin: germline. Affected: yes.
Comment: Not observed at significant frequency in large population cohorts (gnomAD); Missense variant in a gene in which most reported pathogenic variants are truncating/loss of function; Has not been previously published as pathogenic or benign to our knowledge